The following is an entry in ClinVar:

ClinVar aggregate classification (germline): Pathogenic (1 of 4 stars; one submission).

Submission:

GeneDx
Classification: Pathogenic. Last evaluated: 2025-03-18. Review status: criteria provided, single submitter. Criteria: GeneDx Variant Classification Process June 2021. Collection method: clinical testing. Allele origin: germline. Affected: yes.
Comment: Nonsense variant predicted to result in protein truncation or nonsense mediated decay in a gene for which loss of function is a known mechanism of disease; Not observed at significant frequency in large population cohorts (gnomAD); This variant is associated with the following publications: (PMID: 35187641, 33376940, 35122233)

NM_001098671.2(RASGRP2):c.163A>T (p.Lys55Ter)

Gene: RASGRP2 (RAS guanyl releasing protein 2; minus strand). Cytogenetic location: 11q13.1.
Variant type: single nucleotide variant.
Coding change: c.163A>T on transcript NM_001098671.2 (MANE Select); coding-DNA position 163, A replaced by T.
Protein change: p.Lys55Ter; replaces lysine 55 with a stop codon.
Molecular consequence: nonsense. On other transcripts: 5 prime UTR variant (1).
Genome position (GRCh38, 1-based): chr11:64,742,023, T>A on the plus strand (A>T on the coding strand, the complement: RASGRP2 is on the minus strand). VCF-style: chr11-64742023-T-A. GRCh37 (hg19) VCF-style: chr11-64509495-T-A.
Other names: c.163A>T, p.Lys55Ter (NM_001098670.2, NM_001440690.1, NM_001440691.1 and 15 more transcripts); c.-273A>T (NM_001318398.2); short protein forms K55*.
Identifiers: ClinVar variation 4086478 (VCV004086478.1).